The following is an entry in ClinVar:

ClinVar aggregate classification (germline): Uncertain significance (1 of 4 stars; one submission).

Allele frequency attached by ClinVar (database versions not stated): ExAC 0.00002; TOPMed 0.00001; gnomAD exomes 0.00002.
gnomAD v4.1: 30 of 1,614,000 alleles (0.0019%); highest among the groups gnomAD compares: African/African-American, 0.0013%; no homozygotes.

Submission:

GeneDx
Classification: Uncertain significance. Last evaluated: 2014-04-02. Review status: criteria provided, single submitter. Criteria: GeneDx Variant Classification (06012015). Collection method: clinical testing. Allele origin: germline. Affected: yes.
Comment: p.Tyr485Cys (TAT>TGT): c.1454 A>G in exon 8 of the EFHC1 gene (NM_018100.3). The Y485C variant has not been published as a mutation, nor has it been reported as a benign polymorphism to our knowledge. It was not observed in approximately 6,500 individuals of European and African American ancestry in the NHLBI Exome Sequencing Project, indicating it is not a common benign variant in these populations. The Y485C substitution occurs at a position that is conserved across species, and in silico analysis predicts this variant is probably damaging to the protein structure/function. However, this variant is a conservative amino acid substitution, which is not likely to impact secondary protein structure as these residues share similar properties, and other missense mutations have not been reported in this region of the protein. Therefore, based on the currently available information, it is unclear whether this variant is a pathogenic mutation or a rare benign variant. The variant is found in EPILEPSY panel(s).

NM_018100.4(EFHC1):c.1454A>G (p.Tyr485Cys)

Gene: EFHC1 (EF-hand domain containing 1; plus strand). Cytogenetic location: 6p12.2.
Variant type: single nucleotide variant.
Coding change: c.1454A>G on transcript NM_018100.4 (MANE Select); coding-DNA position 1454, A replaced by G.
Protein change: p.Tyr485Cys; replaces tyrosine 485 with cysteine.
Molecular consequence: missense variant. On other transcripts: non-coding transcript variant (1).
Genome position (GRCh38, 1-based): chr6:52,479,212, A>G. VCF-style: chr6-52479212-A-G. GRCh37 (hg19) VCF-style: chr6-52344010-A-G.
Other names: p.Y485C:TAT>TGT; c.1397A>G, p.Tyr466Cys (NM_001172420.2); short protein forms Y485C, Y466C.
Identifiers: ClinVar variation 205412 (VCV000205412.2), dbSNP rs534797617, ClinGen allele CA314458.